The following is an entry in ClinVar:

NM_020822.3(KCNT1):c.2350-11T>G

Gene: KCNT1 (potassium sodium-activated channel subfamily T member 1; plus strand). Cytogenetic location: 9q34.3.
Variant type: single nucleotide variant.
Coding change: c.2350-11T>G on transcript NM_020822.3 (MANE Select); 11 bases into the intron before coding-DNA position 2350, T replaced by G.
Molecular consequence: intron variant.
Genome position (GRCh38, 1-based): chr9:135,777,327, T>G. VCF-style: chr9-135777327-T-G. GRCh37 (hg19) VCF-style: chr9-138669173-T-G.
Other names: c.2215-11T>G (NM_001272003.2).
Identifiers: ClinVar variation 3754908 (VCV003754908.2).
Genomic context (GRCh38, chr9:135,777,327, plus strand): 5'-CTGGGAGGGCTCCAGTGGCCAGCAGGAACCACAGCCCTGACTCCAGCCCTGACTCCAGCA[T>G]CTGCCCCCAGGGCTGCAAGCACAACAGCTATGAAGACGCCAAGGCCTACGGGTTCAAGAA-3'

ClinVar aggregate classification (germline): Uncertain significance (1 of 4 stars; one submission).

Conditions:
Autosomal dominant nocturnal frontal lobe epilepsy 5. Also called: KCNT1-Related Epilepsy; CILIARY DYSKINESIA, PRIMARY, 28, WITHOUT SITUS INVERSUS; CILIARY DYSKINESIA, PRIMARY, 28, WITH SITUS INVERSUS; Epilepsy, nocturnal frontal lobe, 5. Identifiers: Orphanet 98784, MedGen C3554306, MONDO:0014002, OMIM 615005.
Developmental and epileptic encephalopathy, 14 (DEE14). Also called: Early infantile epileptic encephalopathy 14. Identifiers: Orphanet 293181, MedGen C3554195, MONDO:0013989, OMIM 614959.

Submission:

Labcorp Genetics (formerly Invitae), Labcorp
Classification: Uncertain significance for Autosomal dominant nocturnal frontal lobe epilepsy 5; Developmental and epileptic encephalopathy, 14. Last evaluated: 2024-03-01. Review status: criteria provided, single submitter. Criteria: Invitae Variant Classification Sherloc (09022015). Collection method: clinical testing. Allele origin: germline.
Comment: This sequence change falls in intron 20 of the KCNT1 gene. It does not directly change the encoded amino acid sequence of the KCNT1 protein. This variant is not present in population databases (gnomAD no frequency). This variant has not been reported in the literature in individuals affected with KCNT1-related conditions. Algorithms developed to predict the effect of sequence changes on RNA splicing suggest that this variant may disrupt the consensus splice site. In summary, the available evidence is currently insufficient to determine the role of this variant in disease. Therefore, it has been classified as a Variant of Uncertain Significance.